The following is an entry in ClinVar:

NM_001134363.3(RBM20):c.1538G>A (p.Arg513Gln)

Gene: RBM20 (RNA binding motif protein 20; plus strand). Cytogenetic location: 10q25.2.
Variant type: single nucleotide variant.
Coding change: c.1538G>A on transcript NM_001134363.3 (MANE Select); coding-DNA position 1538, G replaced by A.
Protein change: p.Arg513Gln; replaces arginine 513 with glutamine.
Molecular consequence: missense variant.
Genome position (GRCh38, 1-based): chr10:110,797,518, G>A. VCF-style: chr10-110797518-G-A. GRCh37 (hg19) VCF-style: chr10-112557276-G-A.
Other names: short protein forms R513Q.
Identifiers: ClinVar variation 229187 (VCV000229187.14), dbSNP rs876657974, ClinGen allele CA10576764.

ClinVar aggregate classification (germline): Conflicting classifications of pathogenicity. Review status: criteria provided, conflicting classifications (1 of 4 stars). 4 submissions from 4 submitters: Uncertain significance (2); Likely benign (2). Last evaluated 2025-09-27.

Conditions:
Dilated cardiomyopathy 1DD (CMD1DD). Identifiers: Orphanet 154, MedGen C2750995, MONDO:0013168, OMIM 613172.

Allele frequency attached by ClinVar (database versions not stated): gnomAD 0.00001; gnomAD exomes 0.00001; TOPMed 0.00001.

Submissions (4):

Labcorp Genetics (formerly Invitae), Labcorp
Classification: Likely benign for Dilated cardiomyopathy 1DD. Last evaluated: 2025-09-27. Review status: criteria provided, single submitter. Criteria: Invitae Variant Classification Sherloc (09022015). Collection method: clinical testing. Allele origin: germline.

Mayo Clinic Laboratories, Mayo Clinic
Classification: Uncertain significance. Last evaluated: 2024-09-18. Review status: criteria provided, single submitter. Criteria: ACMG Guidelines, 2015. Collection method: clinical testing. Allele origin: germline. Observed: 1 variant allele.

Blueprint Genetics
Classification: Likely benign. Last evaluated: 2024-03-27. Review status: criteria provided, single submitter. Criteria: ACMG Guidelines, 2015. Collection method: clinical testing. Allele origin: germline.

Laboratory for Molecular Medicine, Mass General Brigham Personalized Medicine
Classification: Uncertain significance. Last evaluated: 2015-06-25. Review status: criteria provided, single submitter. Criteria: LMM Criteria. Collection method: clinical testing. Allele origin: germline. Observed: 1 variant allele.
Comment: The p.Arg513Gln variant in RBM20 has not been previously reported in individuals with cardiomyopathy and was absent from large population studies. Computational prediction tools and conservation analysis do not provide strong support for or against an impact to the protein though one mammalian species (cape golden mole ) carries the variant amino acid at this position, raising the possibility that it may be tolerated. In summary, the clinical significance of the p.Arg513Gln va riant is uncertain.